The following is an entry in ClinVar:

ClinVar aggregate classification (germline): Uncertain significance (1 of 4 stars; one submission).

Conditions:
Bardet-Biedl syndrome (BBS). Identifiers: Orphanet 110, MedGen C0752166, MONDO:0015229.

Allele frequency attached by ClinVar (database versions not stated): TOPMed 0.00001.

Submission:

Labcorp Genetics (formerly Invitae), Labcorp
Classification: Uncertain significance for Bardet-Biedl syndrome. Last evaluated: 2022-03-18. Review status: criteria provided, single submitter. Criteria: Invitae Variant Classification Sherloc (09022015). Collection method: clinical testing. Allele origin: germline.
Comment: In summary, the available evidence is currently insufficient to determine the role of this variant in disease. Therefore, it has been classified as a Variant of Uncertain Significance. Algorithms developed to predict the effect of missense changes on protein structure and function are either unavailable or do not agree on the potential impact of this missense change (SIFT: "Deleterious"; PolyPhen-2: "Benign"; Align-GVGD: "Class C0"). This variant has not been reported in the literature in individuals affected with BBS9-related conditions. This variant is not present in population databases (gnomAD no frequency). This sequence change replaces glutamine, which is neutral and polar, with arginine, which is basic and polar, at codon 883 of the BBS9 protein (p.Gln883Arg).

NM_198428.3(BBS9):c.2648A>G (p.Gln883Arg)

Gene: BBS9 (Bardet-Biedl syndrome 9; plus strand). Cytogenetic location: 7p14.3.
Variant type: single nucleotide variant.
Coding change: c.2648A>G on transcript NM_198428.3 (MANE Select); coding-DNA position 2648, A replaced by G.
Protein change: p.Gln883Arg; replaces glutamine 883 with arginine.
Molecular consequence: missense variant. On other transcripts: non-coding transcript variant (3), intron variant (2).
Genome position (GRCh38, 1-based): chr7:33,605,210, A>G. VCF-style: chr7-33605210-A-G. GRCh37 (hg19) VCF-style: chr7-33644822-A-G.
Other names: c.2543A>G, p.Gln848Arg (NM_001033604.2); c.2633A>G, p.Gln878Arg (NM_001033605.2); c.2648A>G, p.Gln883Arg (NM_001348036.1); c.2099A>G, p.Gln700Arg (NM_001348037.3); c.2375A>G, p.Gln792Arg (NM_001348038.3); c.2270A>G, p.Gln757Arg (NM_001348039.3); c.2525A>G, p.Gln842Arg (NM_001348040.3); c.2513A>G, p.Gln838Arg (NM_001348042.3); and 6 more; short protein forms Q761R, Q838R, Q843R, Q700R, Q726R, Q792R, Q878R, Q882R.
Identifiers: ClinVar variation 1517271 (VCV001517271.5), dbSNP rs967703053, ClinGen allele CA156756432.